The following is an entry in ClinVar:

NM_000719.7(CACNA1C):c.239_244delinsTTGCAGCTCC (p.Gln80fs)

Gene: CACNA1C (calcium voltage-gated channel subunit alpha1 C; plus strand). Cytogenetic location: 12p13.33.
Variant type: Indel.
Coding change: c.239_244delinsTTGCAGCTCC on transcript NM_000719.7 (MANE Select); coding-DNA positions 239 to 244, AGCGGA replaced by TTGCAGCTCC.
Protein change: p.Gln80fs; shifts the reading frame from glutamine 80.
Molecular consequence: frameshift variant.
Genome position (GRCh38, 1-based): chr12:2,115,413-2,115,418, AGCGGA replaced by TTGCAGCTCC. VCF-style: chr12-2115413-AGCGGA-TTGCAGCTCC. GRCh37 (hg19) VCF-style: chr12-2224579-AGCGGA-TTGCAGCTCC.
Other names: c.239_244delinsTTGCAGCTCC, p.Gln80fs (NM_001129827.2, NM_001129829.2, NM_001129830.3 and 19 more transcripts); short protein forms Q80fs.
Identifiers: ClinVar variation 1304221 (VCV001304221.2), dbSNP rs2154137096, ClinGen allele CA2573053641.

ClinVar aggregate classification (germline): Uncertain significance (1 of 4 stars; one submission).

Submission:

GeneDx
Classification: Uncertain significance. Last evaluated: 2020-10-14. Review status: criteria provided, single submitter. Criteria: GeneDx Variant Classification Process June 2021. Collection method: clinical testing. Allele origin: germline. Affected: yes.
Comment: Not observed in large population cohorts (Lek et al., 2016); Frameshift variant predicted to result in protein truncation or nonsense mediated decay in a gene for which loss-of-function is not a known mechanism of disease; Has not been previously published as pathogenic or benign to our knowledge